The following is an entry in ClinVar:

NM_020686.6(ABAT):c.70+6C>A

Gene: ABAT (4-aminobutyrate aminotransferase; plus strand). Cytogenetic location: 16p13.2.
Variant type: single nucleotide variant.
Coding change: c.70+6C>A on transcript NM_020686.6 (MANE Select); 6 bases into the intron after coding-DNA position 70, C replaced by A.
Molecular consequence: intron variant.
Genome position (GRCh38, 1-based): chr16:8,735,815, C>A. VCF-style: chr16-8735815-C-A. GRCh37 (hg19) VCF-style: chr16-8829672-C-A.
Other names: c.70+6C>A (NM_001386602.1, NM_001386615.1, NM_001386609.1 and 13 more transcripts); c.-65-10186C>A (NM_001386611.1, NM_001386612.1, NM_001386613.1).
Identifiers: ClinVar variation 1350834 (VCV001350834.6), dbSNP rs369944447, ClinGen allele CA277451316.

ClinVar aggregate classification (germline): Uncertain significance (1 of 4 stars; one submission).

Conditions:
Gamma-aminobutyric acid transaminase deficiency (GABATD). Also called: GABA aminotransaminase deficiency; GABA transaminase deficiency; Gamma aminobutyrate transaminase deficiency; 4 alpha aminobutyrate transaminase deficiency. Identifiers: Orphanet 2066, MedGen C0342708, MONDO:0013166, OMIM 613163.

Allele frequency attached by ClinVar (database versions not stated): ESP Exome Variant Server 0.00008.

Submission:

Labcorp Genetics (formerly Invitae), Labcorp
Classification: Uncertain significance for Gamma-aminobutyric acid transaminase deficiency. Last evaluated: 2020-11-24. Review status: criteria provided, single submitter. Criteria: Invitae Variant Classification Sherloc (09022015). Collection method: clinical testing. Allele origin: germline.
Comment: This sequence change falls in intron 2 of the ABAT gene. It does not directly change the encoded amino acid sequence of the ABAT protein. It affects a nucleotide within the consensus splice site of the intron. This variant is not present in population databases (ExAC no frequency). This variant has not been reported in the literature in individuals with ABAT-related conditions. Nucleotide substitutions within the consensus splice site are a relatively common cause of aberrant splicing (PMID: 17576681, 9536098). Algorithms developed to predict the effect of sequence changes on RNA splicing suggest that this variant is not likely to affect RNA splicing, but this prediction has not been confirmed by published transcriptional studies. In summary, the available evidence is currently insufficient to determine the role of this variant in disease. Therefore, it has been classified as a Variant of Uncertain Significance.

Literature cited by the submitters: PubMed 17576681; PubMed 9536098.